The following is an entry in ClinVar:

NM_001008537.3(NEXMIF):c.1882C>T (p.Arg628Ter)

Gene: NEXMIF (neurite extension and migration factor; minus strand). Cytogenetic location: Xq13.3.
Variant type: single nucleotide variant.
Coding change: c.1882C>T on transcript NM_001008537.3 (MANE Select); coding-DNA position 1882, C replaced by T.
Protein change: p.Arg628Ter; replaces arginine 628 with a stop codon.
Molecular consequence: nonsense.
Genome position (GRCh38, 1-based): chrX:74,742,675, G>A on the plus strand (C>T on the coding strand, the complement: NEXMIF is on the minus strand). VCF-style: chrX-74742675-G-A. GRCh37 (hg19) VCF-style: chrX-73962510-G-A.
Other names: p.Arg628*; NP_001008537.1:p.(Arg628Ter); short protein forms R628*.
Identifiers: ClinVar variation 190220 (VCV000190220.57), dbSNP rs786205208, ClinGen allele CA199624.

ClinVar aggregate classification (germline): Pathogenic. Review status: criteria provided, multiple submitters, no conflicts (2 of 4 stars). 12 submissions from 12 submitters: Pathogenic (11). 1 of the submissions does not count toward it. Last evaluated 2025-11-13.

Conditions:
Epilepsy with myoclonic atonic seizures. Also called: Generalized myoclonic-atonic seizure; Myoclonic atonic seizures. Identifiers: Orphanet 1942, MedGen C0393702, MONDO:0014633, OMIM 616421, HP:0011170.
Inborn genetic diseases. Identifiers: MedGen C0950123, MeSH D030342.
X-linked intellectual disability, Cantagrel type (XLID98). Also called: INTELLECTUAL DEVELOPMENTAL DISORDER, X-LINKED 98. Identifiers: Orphanet 85277, MedGen C3806730, MONDO:0010483, OMIM 300912.
Seizure. Also called: Seizures. Identifiers: MedGen C0036572, HP:0001250.

Submissions (12):

Labcorp Genetics (formerly Invitae), Labcorp
Classification: Pathogenic. Last evaluated: 2025-11-13. Review status: criteria provided, single submitter. Criteria: Invitae Variant Classification Sherloc (09022015). Collection method: clinical testing. Allele origin: germline.
Comment: This sequence change creates a premature translational stop signal (p.Arg628*) in the NEXMIF gene. It is expected to result in an absent or disrupted protein product. Loss-of-function variants in NEXMIF are known to be pathogenic (PMID: 23615299). This variant is not present in population databases (gnomAD no frequency). This premature translational stop signal has been observed in individual(s) with mild or moderate intellectual disability (PMID: 24307393, 27358180). ClinVar contains an entry for this variant (Variation ID: 190220). For these reasons, this variant has been classified as Pathogenic.

Mayo Clinic Laboratories, Mayo Clinic
Classification: Pathogenic. Last evaluated: 2025-01-22. Review status: criteria provided, single submitter. Criteria: ACMG Guidelines, 2015. Collection method: clinical testing. Allele origin: germline. Observed: 1 variant allele.
Comment: PM2_supporting, PS2_moderate, PS4_moderate, PVS1

Cytogénomique, Hospices Civils de Lyon
Classification: Pathogenic for Seizure. Last evaluated: 2024-10-09. Review status: criteria provided, single submitter. Criteria: ACMG Guidelines, 2015. Collection method: clinical testing. Allele origin: unknown. Affected: yes.

CeGaT Center for Human Genetics Tuebingen
Classification: Pathogenic. Last evaluated: 2024-07-01. Review status: criteria provided, single submitter. Criteria: CeGaT Center For Human Genetics Tuebingen Variant Classification Criteria Version 2. Collection method: clinical testing. Allele origin: germline. Affected: yes. Observed: 3 variant alleles.
Comment: NEXMIF: PVS1, PM2, PM6, PS4:Moderate

Genomic Medicine Center of Excellence, King Faisal Specialist Hospital and Research Centre
Classification: Pathogenic for X-linked intellectual disability, Cantagrel type. Last evaluated: 2024-03-26. Review status: criteria provided, single submitter. Criteria: ACMG Guidelines, 2015. Collection method: clinical testing. Allele origin: germline.

GeneDx
Classification: Pathogenic. Last evaluated: 2024-02-18. Review status: criteria provided, single submitter. Criteria: GeneDx Variant Classification Process June 2021. Collection method: clinical testing. Allele origin: germline. Affected: yes.
Comment: Nonsense variant predicted to result in protein truncation or nonsense mediated decay in a gene for which loss-of-function is a known mechanism of disease; Not observed at significant frequency in large population cohorts (gnomAD); This variant is associated with the following publications: (PMID: 24307393, 27812264, 31164858, 27568816, 27358180, 33144682, 33084218, 32860008, 33144681, 35388452, 31440721, 34070602)

Unidad de Genómica Garrahan, Hospital de Pediatría Garrahan
Classification: Pathogenic for Epilepsy with myoclonic atonic seizures. Last evaluated: 2022-01-01. Review status: criteria provided, single submitter. Criteria: ACMG Guidelines, 2015. Collection method: clinical testing. Allele origin: de novo. Affected: yes. Observed: 1 variant allele.
Comment: PVS1, PM2, PM6.

Institute of Medical Genetics and Applied Genomics, University Hospital Tübingen
Classification: Pathogenic. Last evaluated: 2020-10-23. Review status: criteria provided, single submitter. Criteria: ACMG Guidelines, 2015. Collection method: clinical testing. Allele origin: germline. Inheritance: X-linked dominant inheritance. Affected: yes.

Ambry Genetics
Classification: Pathogenic for Inborn genetic diseases. Last evaluated: 2017-10-18. Review status: criteria provided, single submitter. Criteria: Ambry exome assertion method (8-5-2015). Collection method: clinical testing. Allele origin: germline. Affected: yes. Observed: 1 variant allele.

CENTOGENE GmbH and LLC - Guiding Precision Medicine
Classification: Pathogenic for X-linked intellectual disability, Cantagrel type. Review status: criteria provided, single submitter. Criteria: ACMG Guidelines, 2015. Collection method: clinical testing. Allele origin: germline. Affected: yes.

Imagene.me medical diagnostic laboratory, IMAGENE.ME SA
Classification: Pathogenic for X-linked intellectual disability, Cantagrel type. Review status: criteria provided, single submitter. Criteria: IMAGENE.ME Variant Classification SOP 2022. Collection method: clinical testing. Allele origin: germline. Affected: yes.
Comment: Classified according to the IMAGENE.ME variant classification SOP based on the ACMG guidelines as Pathogenic (P): PVS1 + PS4_moderate + PM2 + PP5 + PP4

Mendelics
Classification: Likely pathogenic for Mental retardation, X-linked 98. Last evaluated: 2015-03-10. Review status: no assertion criteria provided. Collection method: clinical testing. Allele origin: de novo. Affected: yes. Not counted in ClinVar's aggregate classification.

Literature cited by the submitters: PubMed 23615299 (cited by 3 submitters); PubMed 24307393 (cited by 3 submitters); PubMed 27358180 (cited by 3 submitters); PubMed 31164858 (cited by Mayo Clinic Laboratories, Mayo Clinic); PubMed 33144681 (cited by Mayo Clinic Laboratories, Mayo Clinic); PubMed 33144682 (cited by Mayo Clinic Laboratories, Mayo Clinic); PubMed 15466006 (cited by Ambry Genetics and Mendelics); PubMed 27568816 (cited by Ambry Genetics); PubMed 32860008 (cited by CENTOGENE GmbH and LLC - Guiding Precision Medicine).